The following is an entry in ClinVar:

NM_000123.4(ERCC5):c.1712C>T (p.Pro571Leu)

Genes: BIVM-ERCC5 (BIVM-ERCC5 readthrough; plus strand), ERCC5 (ERCC excision repair 5, endonuclease; plus strand). Cytogenetic location: 13q33.1.
Variant type: single nucleotide variant.
Coding change: c.1712C>T on transcript NM_000123.4 (MANE Select); coding-DNA position 1712, C replaced by T.
Protein change: p.Pro571Leu; replaces proline 571 with leucine.
Molecular consequence: missense variant.
Genome position (GRCh38, 1-based): chr13:102,862,861, C>T. VCF-style: chr13-102862861-C-T. GRCh37 (hg19) VCF-style: chr13-103515211-C-T.
Other names: c.3074C>T (NM_001204425.1); c.3074C>T, p.Pro1025Leu (NM_001204425.2); short protein forms P1025L, P571L.
Identifiers: ClinVar variation 1382572 (VCV001382572.10), dbSNP rs759628522, ClinGen allele CA7041458.

ClinVar aggregate classification (germline): Uncertain significance. Review status: criteria provided, multiple submitters, no conflicts (2 of 4 stars). 4 submissions from 4 submitters: Uncertain significance (4). Last evaluated 2025-06-29.

Conditions:
Hereditary cancer-predisposing syndrome. Also called: Tumor predisposition; Neoplastic Syndromes, Hereditary; Hereditary Cancer Syndrome; Hereditary neoplastic syndrome. Identifiers: Orphanet 140162, MedGen C0027672, MeSH D009386, MONDO:0015356.

Allele frequency attached by ClinVar (database versions not stated): ExAC 0.00003; gnomAD exomes 0.00003 and 0.00006; gnomAD 0.00015; TOPMed 0.00025.
gnomAD v4.1: 73 of 1,614,004 alleles (0.0045%); highest among the groups gnomAD compares: East Asian, 0.045%; no homozygotes.

Submissions (4):

Ambry Genetics
Classification: Uncertain significance. Last evaluated: 2025-06-29. Review status: criteria provided, single submitter. Criteria: Ambry Variant Classification Scheme 2023. Collection method: clinical testing. Allele origin: germline.

GeneDx
Classification: Uncertain significance. Last evaluated: 2022-02-17. Review status: criteria provided, single submitter. Criteria: GeneDx Variant Classification Process June 2021. Collection method: clinical testing. Allele origin: germline. Affected: yes.
Comment: In silico analysis supports that this missense variant does not alter protein structure/function; Has not been previously published as pathogenic or benign to our knowledge

Sema4
Classification: Uncertain significance for Hereditary cancer-predisposing syndrome. Last evaluated: 2022-01-16. Review status: criteria provided, single submitter. Criteria: Sema4 Curation Guidelines. Collection method: curation. Allele origin: germline.
Comment: To the best of our knowledge, the ERCC5 c.1712C>T (p.P571L) variant has not been reported in individuals with ERCC5-related disease. It was observed in 15/19946 chromosomes of the East Asian subpopulation, with no homozygotes, in the large and broad cohorts of the Genome Aggregation Database (PMID: 32461654). The variant has not been reported in ClinVar. In silico tools suggest the impact of the variant on protein function is benign, though these predictions have not been confirmed by functional studies. The evidence is insufficient to meet ACMG/AMP criteria for classifying the variant as benign or pathogenic. Thus, the clinical significance of this variant is currently uncertain.

Labcorp Genetics (formerly Invitae), Labcorp
Classification: Uncertain significance. Last evaluated: 2021-08-15. Review status: criteria provided, single submitter. Criteria: Invitae Variant Classification Sherloc (09022015). Collection method: clinical testing. Allele origin: germline.
Comment: This variant has not been reported in the literature in individuals affected with ERCC5-related conditions. This variant is present in population databases (rs759628522, ExAC 0.05%). This sequence change replaces proline with leucine at codon 571 of the ERCC5 protein (p.Pro571Leu). The proline residue is weakly conserved and there is a moderate physicochemical difference between proline and leucine. Algorithms developed to predict the effect of missense changes on protein structure and function (SIFT, PolyPhen-2, Align-GVGD) all suggest that this variant is likely to be tolerated. In summary, the available evidence is currently insufficient to determine the role of this variant in disease. Therefore, it has been classified as a Variant of Uncertain Significance.